The following is an entry in ClinVar:

NM_177438.3(DICER1):c.4158A>G (p.Val1386=)

Gene: DICER1 (dicer 1, ribonuclease III; minus strand). Cytogenetic location: 14q32.13.
Variant type: single nucleotide variant.
Coding change: c.4158A>G on transcript NM_177438.3 (MANE Select); coding-DNA position 4158, A replaced by G.
Protein change: p.Val1386=; no amino-acid change (valine 1386 retained).
Molecular consequence: synonymous variant.
Genome position (GRCh38, 1-based): chr14:95,099,828, T>C on the plus strand (A>G on the coding strand, the complement: DICER1 is on the minus strand). VCF-style: chr14-95099828-T-C. GRCh37 (hg19) VCF-style: chr14-95566165-T-C.
Other names: c.4158A>G, p.Val1386= (NM_001195573.1, NM_001271282.3, NM_001291628.2 and 1 more transcripts).
Identifiers: ClinVar variation 703396 (VCV000703396.19), dbSNP rs1256817102, ClinGen allele CA487625751.

ClinVar aggregate classification (germline): Likely benign. Review status: criteria provided, multiple submitters, no conflicts (2 of 4 stars). 4 submissions from 4 submitters: Likely benign (4). Last evaluated 2025-12-05.

Conditions:
DICER1-related tumor predisposition. Also called: DICER1-related pleuropulmonary blastoma cancer predisposition syndrome; DICER1 syndrome. Identifiers: Orphanet 284343, MedGen C3839822, MONDO:0100216.
Hereditary cancer-predisposing syndrome. Also called: Neoplastic Syndromes, Hereditary; Tumor predisposition; Hereditary Cancer Syndrome; Hereditary neoplastic syndrome. Identifiers: Orphanet 140162, MedGen C0027672, MeSH D009386, MONDO:0015356.
DICER1-related disorder. Also called: DICER1-related condition.

Allele frequency attached by ClinVar (database versions not stated): TOPMed below 0.00001; gnomAD exomes 0.00001.
gnomAD v4.1: 4 of 1,613,980 alleles (0.00025%); highest among the groups gnomAD compares: Middle Eastern, 0.033%; no homozygotes.

Submissions (4):

Labcorp Genetics (formerly Invitae), Labcorp
Classification: Likely benign for DICER1-related tumor predisposition. Last evaluated: 2025-12-05. Review status: criteria provided, single submitter. Criteria: Invitae Variant Classification Sherloc (09022015). Collection method: clinical testing. Allele origin: germline.

Hereditary Cancer Group, L’Institut d'Investigació Biomèdica de Bellvitge
Classification: Likely benign for Hereditary cancer-predisposing syndrome. Last evaluated: 2024-12-19. Review status: criteria provided, single submitter. Criteria: Hatton et al. (Hum Mutat. 2023). Collection method: clinical testing. Allele origin: germline. Inheritance: Autosomal dominant inheritance. Affected: yes.
Comment: PM2_supporting, BP4, BP7

PreventionGenetics, part of Exact Sciences
Classification: Likely benign for DICER1-related condition. Last evaluated: 2024-11-14. Review status: criteria provided, single submitter. Criteria: ACMG Guidelines, 2015. Collection method: clinical testing. Allele origin: germline.
Comment: This variant is classified as likely benign based on ACMG/AMP sequence variant interpretation guidelines (Richards et al. 2015 PMID: 25741868, with internal and published modifications).

Ambry Genetics
Classification: Likely benign for Hereditary cancer-predisposing syndrome. Last evaluated: 2018-11-28. Review status: criteria provided, single submitter. Criteria: Ambry Variant Classification Scheme 2023. Collection method: clinical testing. Allele origin: germline.